The following is an entry in ClinVar:

ClinVar aggregate classification (germline): Pathogenic (1 of 4 stars; one submission).

Conditions:
Hypertrophic cardiomyopathy. Also called: HYPERTROPHIC MYOCARDIOPATHY. Identifiers: Orphanet 217569, MedGen C0007194, MeSH D002312, MONDO:0005045, HP:0001639.

Submission:

Labcorp Genetics (formerly Invitae), Labcorp
Classification: Pathogenic for Hypertrophic cardiomyopathy. Last evaluated: 2024-07-03. Review status: criteria provided, single submitter. Criteria: Invitae Variant Classification Sherloc (09022015). Collection method: clinical testing. Allele origin: germline.
Comment: This sequence change creates a premature translational stop signal (p.Phe1230Cysfs*5) in the MYBPC3 gene. It is expected to result in an absent or disrupted protein product. Loss-of-function variants in MYBPC3 are known to be pathogenic (PMID: 19574547). This variant is not present in population databases (gnomAD no frequency). This variant has not been reported in the literature in individuals affected with MYBPC3-related conditions. Algorithms developed to predict the effect of sequence changes on RNA splicing suggest that this variant may disrupt the consensus splice site. For these reasons, this variant has been classified as Pathogenic.

Literature cited by the submitters: PubMed 19574547.

NM_000256.3(MYBPC3):c.3689_3695del (p.Phe1230fs)

Gene: MYBPC3 (myosin binding protein C3; minus strand). Cytogenetic location: 11p11.2.
Variant type: Deletion.
Coding change: c.3689_3695del on transcript NM_000256.3 (MANE Select); coding-DNA positions 3689 to 3695, 7 bases deleted (TCAGCAA; older notation c.3689_3695delTCAGCAA).
Protein change: p.Phe1230fs; shifts the reading frame from phenylalanine 1230.
Molecular consequence: frameshift variant.
Genome position (GRCh38, 1-based): chr11:47,332,191-47,332,197, TTGCTGA deleted on the plus strand (TCAGCAA on the coding strand, the reverse complement: MYBPC3 is on the minus strand). VCF-style (leftmost placement, unchanged base first): chr11-47332190-CTTGCTGA-C. GRCh37 (hg19) VCF-style: chr11-47353741-CTTGCTGA-C.
Other names: short protein forms F1230fs.
Identifiers: ClinVar variation 3658607 (VCV003658607.2).